The following is an entry in ClinVar:

ClinVar aggregate classification (germline): Likely benign. Review status: criteria provided, multiple submitters, no conflicts (2 of 4 stars). 3 submissions from 3 submitters: Likely benign (2). 1 of the submissions does not count toward it. Last evaluated 2025-08-28.

Conditions:
RHO-related disorder. Also called: RHO-related condition.
Retinal dystrophy. Also called: Inherited retinal dystrophy. Identifiers: Orphanet 71862, MedGen C0854723, MeSH D058499, MONDO:0019118, HP:0000556.

Allele frequency attached by ClinVar (database versions not stated): gnomAD 0.00001; gnomAD exomes 0.00001 and 0.00002; ExAC 0.00002; TOPMed 0.00003; ESP Exome Variant Server 0.00008.

Submissions (3):

PreventionGenetics, part of Exact Sciences
Classification: Likely benign for RHO-related condition. Last evaluated: 2025-08-28. Review status: criteria provided, single submitter. Criteria: ACMG Guidelines, 2015. Collection method: clinical testing. Allele origin: germline.
Comment: This variant is classified as likely benign based on ACMG/AMP sequence variant interpretation guidelines (Richards et al. 2015 PMID: 25741868, with internal and published modifications).

Labcorp Genetics (formerly Invitae), Labcorp
Classification: Likely benign. Last evaluated: 2024-03-01. Review status: criteria provided, single submitter. Criteria: Invitae Variant Classification Sherloc (09022015). Collection method: clinical testing. Allele origin: germline.

Institute of Human Genetics, Univ. Regensburg, Univ. Regensburg
Classification: Likely benign for Retinal dystrophy. Last evaluated: 2020-01-01. Review status: no assertion criteria provided. Criteria: ACMG Guidelines, 2015. Collection method: clinical testing. Allele origin: germline. Affected: yes. Not counted in ClinVar's aggregate classification.

NM_000539.3(RHO):c.933G>A (p.Lys311=)

Gene: RHO (rhodopsin; plus strand). Cytogenetic location: 3q22.1.
Variant type: single nucleotide variant.
Coding change: c.933G>A on transcript NM_000539.3 (MANE Select); coding-DNA position 933, G replaced by A.
Protein change: p.Lys311=; no amino-acid change (lysine 311 retained).
Molecular consequence: synonymous variant.
Genome position (GRCh38, 1-based): chr3:129,532,769, G>A. VCF-style: chr3-129532769-G-A. GRCh37 (hg19) VCF-style: chr3-129251612-G-A.
Identifiers: ClinVar variation 1629915 (VCV001629915.10), dbSNP rs139566602, ClinGen allele CA2607313.